The following is an entry in ClinVar:

ClinVar aggregate classification (germline): Uncertain significance (1 of 4 stars; one submission).

Conditions:
Distal hereditary motor neuropathy type 2. Identifiers: Orphanet 139525, MedGen C3711384, MeSH C580044, MONDO:0015352.

Allele frequency attached by ClinVar (database versions not stated): gnomAD exomes 0.00001 and 0.00002; ExAC 0.00002; gnomAD 0.00002 and 0.00003; TOPMed 0.00007; 1000 Genomes Project 0.00020; 1000 Genomes Project 30x 0.00031.
gnomAD v4.1: 15 of 1,613,566 alleles (0.00093%); highest among the groups gnomAD compares: Admixed American, 0.012%; no homozygotes.

Submission:

Labcorp Genetics (formerly Invitae), Labcorp
Classification: Uncertain significance for Distal hereditary motor neuropathy type 2. Last evaluated: 2025-09-30. Review status: criteria provided, single submitter. Criteria: Invitae Variant Classification Sherloc (09022015). Collection method: clinical testing. Allele origin: germline.
Comment: This sequence change replaces aspartic acid, which is acidic and polar, with asparagine, which is neutral and polar, at codon 510 of the FBXO38 protein (p.Asp510Asn). This variant is present in population databases (rs187292361, gnomAD 0.009%). This variant has not been reported in the literature in individuals affected with FBXO38-related conditions. ClinVar contains an entry for this variant (Variation ID: 1358101). Invitae Evidence Modeling of protein sequence and biophysical properties (such as structural, functional, and spatial information, amino acid conservation, physicochemical variation, residue mobility, and thermodynamic stability) indicates that this missense variant is not expected to disrupt FBXO38 protein function with a negative predictive value of 80%. In summary, the available evidence is currently insufficient to determine the role of this variant in disease. Therefore, it has been classified as a Variant of Uncertain Significance.

NM_205836.3(FBXO38):c.1528G>A (p.Asp510Asn)

Gene: FBXO38 (F-box protein 38; plus strand). Cytogenetic location: 5q32.
Variant type: single nucleotide variant.
Coding change: c.1528G>A on transcript NM_205836.3 (MANE Select); coding-DNA position 1528, G replaced by A.
Protein change: p.Asp510Asn; replaces aspartic acid 510 with asparagine.
Molecular consequence: missense variant.
Genome position (GRCh38, 1-based): chr5:148,417,114, G>A. VCF-style: chr5-148417114-G-A. GRCh37 (hg19) VCF-style: chr5-147796677-G-A.
Other names: c.1528G>A, p.Asp510Asn (NM_001271723.2, NM_030793.5); short protein forms D510N.
Identifiers: ClinVar variation 1358101 (VCV001358101.8), dbSNP rs187292361, ClinGen allele CA3497297.
Genomic context (GRCh38, chr5:148,417,114, plus strand): 5'-AGCAACCAGAACTCCAACAATGACGATAATAATGCCCAGAATAACAATGCCAACATCCAC[G>A]ACAACAATCACCATCATCCAGATGACTCAGACGAGGAGAATGACTTTCGGCAAGATCTGC-3'
Protein context (NP_995308.1, residues 500-520): NAQNNNANIH[Asp510Asn]NNHHHPDDSD